The following is an entry in ClinVar:

NM_017849.3:c.498_499insALU

Gene: TMEM127 (transmembrane protein 127; minus strand).
Variant type: Insertion.
Identifiers: ClinVar variation 2625504 (VCV002625504.2).

ClinVar aggregate classification (germline): Likely pathogenic (1 of 4 stars; one submission).

Conditions:
Hereditary cancer-predisposing syndrome. Also called: Tumor predisposition; Hereditary Cancer Syndrome; Hereditary neoplastic syndrome; Neoplastic Syndromes, Hereditary. Identifiers: Orphanet 140162, MedGen C0027672, MeSH D009386, MONDO:0015356.

Submission:

Ambry Genetics
Classification: Likely pathogenic for Hereditary cancer-predisposing syndrome. Last evaluated: 2023-06-26. Review status: criteria provided, single submitter. Criteria: Ambry Variant Classification Scheme 2023. Collection method: clinical testing. Allele origin: germline.
Comment: The c.498_499insAlu variant results from the insertion of an Alu element between nucleotides 498 and 499 in coding exon 3 of the TMEM127 gene. Mobile element insertions contribute to pathogenicity by either disrupting the coding sequence or inducing aberrant splicing (Belancio VP et al. Semin. Cancer Biol. 2010 Aug;20:200-10; Deininger P et al. Genome Biol. 2011 Dec;12:236; van der Klift HM Hum Mutat. 2012 Jul;33(7):1051-5); however, direct evidence is insufficient at this time (Ambry internal data). Based on the majority of available evidence to date, this variant is likely to be pathogenic.